The following is an entry in ClinVar:

ClinVar aggregate classification (germline): Likely benign. Review status: criteria provided, multiple submitters, no conflicts (2 of 4 stars). 2 submissions from 2 submitters: Likely benign (2). Last evaluated 2023-04-03.

Conditions:
Lethal congenital glycogen storage disease of heart. Also called: GLYCOGEN STORAGE DISEASE OF HEART; PHOSPHORYLASE KINASE DEFICIENCY OF HEART. Identifiers: Orphanet 439854, MedGen C1849813, MONDO:0009867, OMIM 261740.
Hypertrophic cardiomyopathy. Also called: HYPERTROPHIC MYOCARDIOPATHY. Identifiers: Orphanet 217569, MedGen C0007194, MeSH D002312, MONDO:0005045, HP:0001639.

Allele frequency attached by ClinVar (database versions not stated): gnomAD exomes 0.00001; TOPMed 0.00001; ExAC 0.00003.
gnomAD v4.1: 3 of 1,614,094 alleles (0.00019%); highest among the groups gnomAD compares: Non-Finnish European, 0.00025%; no homozygotes.

Submissions (2):

All of Us Research Program, National Institutes of Health
Classification: Likely benign for Hypertrophic cardiomyopathy. Last evaluated: 2023-04-03. Review status: criteria provided, single submitter. Criteria: ACMG Guidelines, 2015. Collection method: clinical testing. Allele origin: germline. Inheritance: Autosomal dominant inheritance. Observed: 1 variant allele, 1 heterozygote.
Comment: This study involves interpretation of variants in research participants for the purpose of population health screening. Participant phenotype was not available at the time of variant classification. Additional details can be found in publication PMID: 35346344, PMCID: PMC8962531

Labcorp Genetics (formerly Invitae), Labcorp
Classification: Likely benign for Lethal congenital glycogen storage disease of heart. Last evaluated: 2023-03-19. Review status: criteria provided, single submitter. Criteria: Invitae Variant Classification Sherloc (09022015). Collection method: clinical testing. Allele origin: germline.

NM_016203.4(PRKAG2):c.381C>T (p.Phe127=)

Gene: PRKAG2 (protein kinase AMP-activated non-catalytic subunit gamma 2; minus strand). Cytogenetic location: 7q36.1.
Variant type: single nucleotide variant.
Coding change: c.381C>T on transcript NM_016203.4 (MANE Select); coding-DNA position 381, C replaced by T.
Protein change: p.Phe127=; no amino-acid change (phenylalanine 127 retained).
Molecular consequence: synonymous variant. On other transcripts: intron variant (1).
Genome position (GRCh38, 1-based): chr7:151,781,237, G>A on the plus strand (C>T on the coding strand, the complement: PRKAG2 is on the minus strand). VCF-style: chr7-151781237-G-A. GRCh37 (hg19) VCF-style: chr7-151478323-G-A.
Other names: c.249C>T, p.Phe83= (NM_001040633.2, NM_001407024.1, NM_001407026.1 and 2 more transcripts); c.381C>T, p.Phe127= (NM_001407021.1, NM_001407022.1, NM_001407023.1 and 2 more transcripts); c.148+33179C>T (NM_001407032.1).
Identifiers: ClinVar variation 2797498 (VCV002797498.4), dbSNP rs778848729, ClinGen allele CA056950.